The following is an entry in ClinVar:

ClinVar aggregate classification (germline): Uncertain significance (1 of 4 stars; one submission).

Allele frequency attached by ClinVar (database versions not stated): gnomAD exomes below 0.00001 and 0.00001; gnomAD 0.00001.
gnomAD v4.1: 5 of 1,614,058 alleles (0.00031%); highest among the groups gnomAD compares: East Asian, 0.0089%; no homozygotes.

Submission:

Labcorp Genetics (formerly Invitae), Labcorp
Classification: Uncertain significance. Last evaluated: 2023-05-22. Review status: criteria provided, single submitter. Criteria: Invitae Variant Classification Sherloc (09022015). Collection method: clinical testing. Allele origin: germline.
Comment: This sequence change replaces leucine, which is neutral and non-polar, with proline, which is neutral and non-polar, at codon 252 of the PDE6A protein (p.Leu252Pro). This variant is present in population databases (no rsID available, gnomAD 0.02%). This variant has not been reported in the literature in individuals affected with PDE6A-related conditions. ClinVar contains an entry for this variant (Variation ID: 955081). Advanced modeling of protein sequence and biophysical properties (such as structural, functional, and spatial information, amino acid conservation, physicochemical variation, residue mobility, and thermodynamic stability) performed at Invitae indicates that this missense variant is expected to disrupt PDE6A protein function. In summary, the available evidence is currently insufficient to determine the role of this variant in disease. Therefore, it has been classified as a Variant of Uncertain Significance.

NM_000440.3(PDE6A):c.755T>C (p.Leu252Pro)

Gene: PDE6A (phosphodiesterase 6A; minus strand). Cytogenetic location: 5q32.
Variant type: single nucleotide variant.
Coding change: c.755T>C on transcript NM_000440.3 (MANE Select); coding-DNA position 755, T replaced by C.
Protein change: p.Leu252Pro; replaces leucine 252 with proline.
Molecular consequence: missense variant.
Genome position (GRCh38, 1-based): chr5:149,931,131, A>G on the plus strand (T>C on the coding strand, the complement: PDE6A is on the minus strand). VCF-style: chr5-149931131-A-G. GRCh37 (hg19) VCF-style: chr5-149310694-A-G.
Other names: short protein forms L252P.
Identifiers: ClinVar variation 955081 (VCV000955081.9), dbSNP rs1394948262, ClinGen allele CA361696594.